The following is an entry in ClinVar:

ClinVar aggregate classification (germline): Uncertain significance. Review status: criteria provided, multiple submitters, no conflicts (2 of 4 stars). 2 submissions from 2 submitters: Uncertain significance (2). Last evaluated 2025-11-17.

Conditions:
Psoriasis 2. Identifiers: MedGen C1864497, MONDO:0011269, OMIM 602723.
Pityriasis rubra pilaris (PRP). Also called: Pityriasis rubra pilaris--familial type. Identifiers: Orphanet 2897, MedGen C0032027, MONDO:0100017, OMIM 173200, MONDO:0008251.

Allele frequency attached by ClinVar (database versions not stated): gnomAD exomes below 0.00001 and 0.00001; ExAC 0.00001; TOPMed 0.00001.
gnomAD v4.1: 6 of 1,613,944 alleles (0.00037%); highest among the groups gnomAD compares: Admixed American, 0.0033%; no homozygotes.

Submissions (2):

Labcorp Genetics (formerly Invitae), Labcorp
Classification: Uncertain significance for Pityriasis rubra pilaris; Psoriasis 2. Last evaluated: 2025-11-17. Review status: criteria provided, single submitter. Criteria: Invitae Variant Classification Sherloc (09022015). Collection method: clinical testing. Allele origin: germline.
Comment: This sequence change replaces valine, which is neutral and non-polar, with isoleucine, which is neutral and non-polar, at codon 922 of the CARD14 protein (p.Val922Ile). This variant is present in population databases (rs763985273, gnomAD 0.006%). This variant has not been reported in the literature in individuals affected with CARD14-related conditions. ClinVar contains an entry for this variant (Variation ID: 1427388). Invitae Evidence Modeling of protein sequence and biophysical properties (such as structural, functional, and spatial information, amino acid conservation, physicochemical variation, residue mobility, and thermodynamic stability) indicates that this missense variant is not expected to disrupt CARD14 protein function with a negative predictive value of 95%. In summary, the available evidence is currently insufficient to determine the role of this variant in disease. Therefore, it has been classified as a Variant of Uncertain Significance.

Mayo Clinic Laboratories, Mayo Clinic
Classification: Uncertain significance. Last evaluated: 2023-02-06. Review status: criteria provided, single submitter. Criteria: ACMG Guidelines, 2015. Collection method: clinical testing. Allele origin: germline. Observed: 1 variant allele.
Comment: BP4

NM_001366385.1(CARD14):c.2764G>A (p.Val922Ile)

Genes: SGSH (N-sulfoglucosamine sulfohydrolase; minus strand), CARD14 (caspase recruitment domain family member 14; plus strand). Cytogenetic location: 17q25.3.
Variant type: single nucleotide variant.
Coding change: c.2764G>A on transcript NM_001366385.1 (MANE Select); coding-DNA position 2764, G replaced by A.
Protein change: p.Val922Ile; replaces valine 922 with isoleucine.
Molecular consequence: missense variant. On other transcripts: non-coding transcript variant (1).
Genome position (GRCh38, 1-based): chr17:80,207,042, G>A. VCF-style: chr17-80207042-G-A. GRCh37 (hg19) VCF-style: chr17-78180841-G-A.
Other names: p.Val922Ile; c.2764G>A, p.Val922Ile (NM_024110.4); short protein forms V922I.
Identifiers: ClinVar variation 1427388 (VCV001427388.9), dbSNP rs763985273, ClinGen allele CA8817443.
Genomic context (GRCh38, chr17:80,207,042, plus strand): 5'-CTCCTGGACGTCCAGCTGGACAGTGTCTGCACCCTGCACAGGATGGACATCTTCCCCATC[G>A]TCATCCACGTCTCTGTCAACGAGAAGATGGCAAAGAAGCTCAAGTAGGTGCACGCTGGGG-3'
Protein context (NP_001353314.1, residues 912-932): TLHRMDIFPI[Val922Ile]IHVSVNEKMA